The following is an entry in ClinVar:

NM_024675.4(PALB2):c.1567G>A (p.Ala523Thr)

Gene: PALB2 (partner and localizer of BRCA2; minus strand). Cytogenetic location: 16p12.2.
Variant type: single nucleotide variant.
Coding change: c.1567G>A on transcript NM_024675.4 (MANE Select); coding-DNA position 1567, G replaced by A.
Protein change: p.Ala523Thr; replaces alanine 523 with threonine.
Molecular consequence: missense variant. On other transcripts: intron variant (3).
Genome position (GRCh38, 1-based): chr16:23,634,979, C>T on the plus strand (G>A on the coding strand, the complement: PALB2 is on the minus strand). VCF-style: chr16-23634979-C-T. GRCh37 (hg19) VCF-style: chr16-23646300-C-T.
Other names: c.1507G>A, p.Ala503Thr (NM_001407296.1); c.1567G>A, p.Ala523Thr (NM_001407297.1, NM_001407298.1, NM_001407299.1 and 3 more transcripts); c.682G>A, p.Ala228Thr (NM_001407304.1, NM_001407305.1, NM_001407306.1 and 5 more transcripts); c.49-5704G>A (NM_001407314.1); c.-104-4510G>A (NM_001407313.1, NM_001407312.1); short protein forms A228T, A523T, A503T.
Identifiers: ClinVar variation 2695114 (VCV002695114.3), dbSNP rs2142412384, ClinGen allele CA395130725.
Genomic context (GRCh38, chr16:23,634,979, plus strand): 5'-TGGACCTGTTAACAATCGACAGGCTAGAAGTTGGCAAAAGTGGTTCACAATGATCTGATG[C>T]TGGGGTGCAGGCTGATTTTCTTTTTCCTGTGTATCTTCTACCAGGTGCTTGGGCAACTGC-3'
Protein context (NP_078951.2, residues 513-533): TGKRKSACTP[Ala523Thr]SDHCEPLLPT

ClinVar aggregate classification (germline): Uncertain significance (1 of 4 stars; one submission).

Conditions:
Familial cancer of breast. Also called: hereditary breast carcinoma; Hereditary breast cancer; BREAST CANCER, FAMILIAL. Identifiers: Orphanet 227535, MedGen C0346153, MONDO:0016419, OMIM 114480. Disease mechanism: loss of function.

Submission:

Labcorp Genetics (formerly Invitae), Labcorp
Classification: Uncertain significance for Familial cancer of breast. Last evaluated: 2023-11-11. Review status: criteria provided, single submitter. Criteria: Invitae Variant Classification Sherloc (09022015). Collection method: clinical testing. Allele origin: germline.
Comment: This sequence change replaces alanine, which is neutral and non-polar, with threonine, which is neutral and polar, at codon 523 of the PALB2 protein (p.Ala523Thr). This variant is not present in population databases (gnomAD no frequency). This variant has not been reported in the literature in individuals affected with PALB2-related conditions. Advanced modeling of protein sequence and biophysical properties (such as structural, functional, and spatial information, amino acid conservation, physicochemical variation, residue mobility, and thermodynamic stability) performed at Invitae indicates that this missense variant is not expected to disrupt PALB2 protein function with a negative predictive value of 80%. In summary, the available evidence is currently insufficient to determine the role of this variant in disease. Therefore, it has been classified as a Variant of Uncertain Significance.